The following is an entry in ClinVar:

NM_006059.4(LAMC3):c.3391C>T (p.His1131Tyr)

Gene: LAMC3 (laminin subunit gamma 3; plus strand). Cytogenetic location: 9q34.12.
Variant type: single nucleotide variant.
Coding change: c.3391C>T on transcript NM_006059.4 (MANE Select); coding-DNA position 3391, C replaced by T.
Protein change: p.His1131Tyr; replaces histidine 1131 with tyrosine.
Molecular consequence: missense variant.
Genome position (GRCh38, 1-based): chr9:131,072,809, C>T. VCF-style: chr9-131072809-C-T. GRCh37 (hg19) VCF-style: chr9-133948196-C-T.
Other names: short protein forms H1131Y.
Identifiers: ClinVar variation 1440825 (VCV001440825.5), dbSNP rs373662769, ClinGen allele CA5287767.

ClinVar aggregate classification (germline): Uncertain significance (1 of 4 stars; one submission).

Allele frequency attached by ClinVar (database versions not stated): gnomAD exomes below 0.00001 and 0.00002; ExAC 0.00001; gnomAD 0.00002 and 0.00003; ESP Exome Variant Server 0.00008; TOPMed 0.00010.
gnomAD v4.1: 10 of 1,612,512 alleles (0.00062%); highest among the groups gnomAD compares: Middle Eastern, 0.016%; no homozygotes.

Submission:

Labcorp Genetics (formerly Invitae), Labcorp
Classification: Uncertain significance. Last evaluated: 2022-03-28. Review status: criteria provided, single submitter. Criteria: Invitae Variant Classification Sherloc (09022015). Collection method: clinical testing. Allele origin: germline.
Comment: This sequence change replaces histidine, which is basic and polar, with tyrosine, which is neutral and polar, at codon 1131 of the LAMC3 protein (p.His1131Tyr). This variant is present in population databases (rs373662769, gnomAD 0.01%). This variant has not been reported in the literature in individuals affected with LAMC3-related conditions. Algorithms developed to predict the effect of missense changes on protein structure and function (SIFT, PolyPhen-2, Align-GVGD) all suggest that this variant is likely to be tolerated. Algorithms developed to predict the effect of sequence changes on RNA splicing suggest that this variant may create or strengthen a splice site. In summary, the available evidence is currently insufficient to determine the role of this variant in disease. Therefore, it has been classified as a Variant of Uncertain Significance.